The following is an entry in ClinVar:

NM_000112.4(SLC26A2):c.95A>T (p.Gln32Leu)

Gene: SLC26A2 (solute carrier family 26 member 2; plus strand). Cytogenetic location: 5q32.
Variant type: single nucleotide variant.
Coding change: c.95A>T on transcript NM_000112.4 (MANE Select); coding-DNA position 95, A replaced by T.
Protein change: p.Gln32Leu; replaces glutamine 32 with leucine.
Molecular consequence: missense variant.
Genome position (GRCh38, 1-based): chr5:149,977,747, A>T. VCF-style: chr5-149977747-A-T. GRCh37 (hg19) VCF-style: chr5-149357310-A-T.
Other names: short protein forms Q32L.
Identifiers: ClinVar variation 2156376 (VCV002156376.2), dbSNP rs978424390, ClinGen allele CA129082222.

ClinVar aggregate classification (germline): Uncertain significance. Review status: criteria provided, multiple submitters, no conflicts (2 of 4 stars). 2 submissions from 2 submitters: Uncertain significance (2). Last evaluated 2024-01-23.

Conditions:
Inborn genetic diseases. Identifiers: MedGen C0950123, MeSH D030342.
Achondrogenesis, type IB (ACG1B). Also called: Achondrogenesis Type 1B. Identifiers: Orphanet 932, Orphanet 93298, MedGen C0265274, MONDO:0010966, OMIM 600972.
Multiple epiphyseal dysplasia type 4 (EDM4). Also called: SLC26A2-Related Multiple Epiphyseal Dysplasia; Multiple Epiphyseal Dysplasia, Recessive; MULTIPLE EPIPHYSEAL DYSPLASIA WITH BILAYERED PATELLAE; MULTIPLE EPIPHYSEAL DYSPLASIA WITH CLUBFOOT; MULTIPLE EPIPHYSEAL DYSPLASIA, AUTOSOMAL RECESSIVE. Identifiers: Orphanet 93307, MedGen C1847593, MONDO:0009189, OMIM 226900.
Atelosteogenesis type II (AO2). Also called: Neonatal osseous dysplasia 1; SLC26A2-Related Atelosteogenesis; NEONATAL OSSEOUS DYSPLASIA I. Identifiers: Orphanet 56304, MedGen C1850554, MONDO:0009727, OMIM 256050.
Diastrophic dysplasia (DTD). Also called: Diastrophic dwarfism. Identifiers: Orphanet 628, MedGen C0220726, MONDO:0009107, OMIM 222600.

Allele frequency attached by ClinVar (database versions not stated): gnomAD exomes 0.00001; gnomAD 0.00006; TOPMed 0.00020.
gnomAD v4.1: 16 of 1,613,878 alleles (0.00099%); highest among the groups gnomAD compares: Admixed American, 0.025%; no homozygotes.

Submissions (2):

Ambry Genetics
Classification: Uncertain significance for Inborn genetic diseases. Last evaluated: 2024-01-23. Review status: criteria provided, single submitter. Criteria: Ambry Variant Classification Scheme 2023. Collection method: clinical testing. Allele origin: germline.

Labcorp Genetics (formerly Invitae), Labcorp
Classification: Uncertain significance for Atelosteogenesis type II; Multiple epiphyseal dysplasia type 4; Achondrogenesis, type IB; Diastrophic dysplasia. Last evaluated: 2022-08-09. Review status: criteria provided, single submitter. Criteria: Invitae Variant Classification Sherloc (09022015). Collection method: clinical testing. Allele origin: germline.
Comment: This sequence change replaces glutamine, which is neutral and polar, with leucine, which is neutral and non-polar, at codon 32 of the SLC26A2 protein (p.Gln32Leu). This variant is present in population databases (no rsID available, gnomAD 0.009%). This variant has not been reported in the literature in individuals affected with SLC26A2-related conditions. Advanced modeling of protein sequence and biophysical properties (such as structural, functional, and spatial information, amino acid conservation, physicochemical variation, residue mobility, and thermodynamic stability) performed at Invitae indicates that this missense variant is not expected to disrupt SLC26A2 protein function. In summary, the available evidence is currently insufficient to determine the role of this variant in disease. Therefore, it has been classified as a Variant of Uncertain Significance.